The following is an entry in ClinVar:

NM_130837.3(OPA1):c.2391T>G (p.Asp797Glu)

Gene: OPA1 (OPA1 mitochondrial dynamin like GTPase; plus strand). Cytogenetic location: 3q29.
Variant type: single nucleotide variant.
Coding change: c.2391T>G on transcript NM_130837.3 (MANE Select); coding-DNA position 2391, T replaced by G.
Protein change: p.Asp797Glu; replaces aspartic acid 797 with glutamic acid.
Molecular consequence: missense variant.
Genome position (GRCh38, 1-based): chr3:193,658,946, T>G. VCF-style: chr3-193658946-T-G. GRCh37 (hg19) VCF-style: chr3-193376735-T-G.
Other names: c.1857T>G, p.Asp619Glu (NM_001354663.2); c.1854T>G, p.Asp618Glu (NM_001354664.2); c.2226T>G, p.Asp742Glu (NM_015560.3); c.2118T>G, p.Asp706Glu (NM_130831.3); c.2172T>G, p.Asp724Glu (NM_130832.3); c.2229T>G, p.Asp743Glu (NM_130833.3); c.2280T>G, p.Asp760Glu (NM_130834.3); c.2283T>G, p.Asp761Glu (NM_130835.3); and 1 more; short protein forms D618E, D724E, D743E, D706E, D779E, D797E, D742E, D619E.
Identifiers: ClinVar variation 2474880 (VCV002474880.5), dbSNP rs201226384, ClinGen allele CA2759640.
Genomic context (GRCh38, chr3:193,658,946, plus strand): 5'-GAGGGTTATTCAACACAATGCTTTGGAAGACCGATCCATATCTGATAAACAGCAATGGGA[T>G]GCAGCTATTTATTTTATGGAAGAGGCTCTGCAGGCTCGTCTCAAGGATAGTAAGTGGAGA-3'
Protein context (NP_570850.2, residues 787-807): DRSISDKQQW[Asp797Glu]AAIYFMEEAL

ClinVar aggregate classification (germline): Uncertain significance. Review status: criteria provided, multiple submitters, no conflicts (2 of 4 stars). 4 submissions from 4 submitters: Uncertain significance (4). Last evaluated 2025-05-25.

Conditions:
Inborn genetic diseases. Identifiers: MedGen C0950123, MeSH D030342.

Allele frequency attached by ClinVar (database versions not stated): gnomAD exomes 0.00001; TOPMed 0.00001; ExAC 0.00002; ESP Exome Variant Server 0.00008.
gnomAD v4.1: 8 of 1,613,966 alleles (0.0005%); highest among the groups gnomAD compares: Non-Finnish European, 0.00068%; no homozygotes.

Submissions (4):

Labcorp Genetics (formerly Invitae), Labcorp
Classification: Uncertain significance. Last evaluated: 2025-05-25. Review status: criteria provided, single submitter. Criteria: Invitae Variant Classification Sherloc (09022015). Collection method: clinical testing. Allele origin: germline.
Comment: This sequence change replaces aspartic acid, which is acidic and polar, with glutamic acid, which is acidic and polar, at codon 742 of the OPA1 protein (p.Asp742Glu). This variant is present in population databases (rs201226384, gnomAD 0.003%). This variant has not been reported in the literature in individuals affected with OPA1-related conditions. ClinVar contains an entry for this variant (Variation ID: 2474880). Invitae Evidence Modeling of protein sequence and biophysical properties (such as structural, functional, and spatial information, amino acid conservation, physicochemical variation, residue mobility, and thermodynamic stability) indicates that this missense variant is not expected to disrupt OPA1 protein function with a negative predictive value of 80%. In summary, the available evidence is currently insufficient to determine the role of this variant in disease. Therefore, it has been classified as a Variant of Uncertain Significance.

GeneDx
Classification: Uncertain significance. Last evaluated: 2025-02-10. Review status: criteria provided, single submitter. Criteria: GeneDx Variant Classification Process June 2021. Collection method: clinical testing. Allele origin: germline. Affected: yes.
Comment: Not observed at significant frequency in large population cohorts (gnomAD); In silico analysis supports that this missense variant has a deleterious effect on protein structure/function; Has not been previously published as pathogenic or benign to our knowledge

Ambry Genetics
Classification: Uncertain significance for Inborn genetic diseases. Last evaluated: 2023-01-10. Review status: criteria provided, single submitter. Criteria: Ambry Variant Classification Scheme 2023. Collection method: clinical testing. Allele origin: germline.

Blueprint Genetics
Classification: Uncertain significance. Last evaluated: 2019-01-16. Review status: criteria provided, single submitter. Criteria: ACMG Guidelines, 2015. Collection method: clinical testing. Allele origin: germline.